The following is an entry in ClinVar:

NM_000481.4(AMT):c.996dup (p.His333fs)

Gene: AMT (aminomethyltransferase; minus strand). Cytogenetic location: 3p21.31.
Variant type: Duplication.
Coding change: c.996dup on transcript NM_000481.4 (MANE Select); coding-DNA position 996, one base duplicated (A; older notation c.996dupA).
Protein change: p.His333fs; shifts the reading frame from histidine 333.
Molecular consequence: frameshift variant. On other transcripts: non-coding transcript variant (1).
Genome position (GRCh38, 1-based): chr3:49,417,855, T duplicated on the plus strand (A on the coding strand, the reverse complement: AMT is on the minus strand). VCF-style (leftmost placement, unchanged base first): chr3-49417854-G-GT. GRCh37 (hg19) VCF-style: chr3-49455287-G-GT.
Other names: c.864dup, p.His289fs (NM_001164710.2); c.828dup, p.His277fs (NM_001164711.2); c.996dup, p.His333fs (NM_001164712.2); short protein forms H277fs, H289fs, H333fs.
Identifiers: ClinVar variation 969545 (VCV000969545.42), dbSNP rs2049025668, ClinGen allele CA1047750576.

ClinVar aggregate classification (germline): Pathogenic/Likely pathogenic. Review status: criteria provided, multiple submitters, no conflicts (2 of 4 stars). 4 submissions from 4 submitters: Pathogenic (3); Likely pathogenic (1). Last evaluated 2026-06-30.

Conditions:
Glycine encephalopathy 2 (GCE2). Identifiers: MedGen C5830559, MONDO:0958192, OMIM 620398.
Glycine encephalopathy. Also called: Nonketotic hyperglycinemia; Non-ketotic hyperglycinemia. Identifiers: Orphanet 407, MedGen C0751748, MONDO:0011612, HP:0008288.

Allele frequency attached by ClinVar (database versions not stated): TOPMed below 0.00001; gnomAD 0.00001.

Submissions (4):

Myriad Genetics, Inc.
Classification: Pathogenic for Glycine encephalopathy 2. Last evaluated: 2026-06-30. Review status: criteria provided, single submitter. Criteria: Myriad Autosomal Dominant, Autosomal Recessive and X-Linked Classification Criteria (2023). Collection method: clinical testing. Allele origin: unknown.
Comment: NM_000481.3(AMT):c.996dupA(H333Tfs*17) is a frameshift variant classified as pathogenic in the context of glycine encephalopathy, AMT-related. H333Tfs*17 has been observed in a case with relevant disease (PMID: 27362913). Relevant functional assessments of this variant are not available in the literature. H333Tfs*17 has not been observed in referenced population frequency databases. In summary, NM_000481.3(AMT):c.996dupA(H333Tfs*17) is a frameshift variant in a gene where loss of function is a known mechanism of disease and is predicted to disrupt protein function. Please note: this variant was assessed in the context of healthy population screening.

Laboratory of Medical Genetics, National & Kapodistrian University of Athens
Classification: Pathogenic for Glycine encephalopathy 2. Last evaluated: 2024-02-01. Review status: criteria provided, single submitter. Criteria: ACMG Guidelines, 2015. Collection method: curation. Allele origin: germline. Affected: no.

CeGaT Center for Human Genetics Tuebingen
Classification: Pathogenic. Last evaluated: 2021-06-01. Review status: criteria provided, single submitter. Criteria: CeGaT Center For Human Genetics Tuebingen Variant Classification Criteria Version 2. Collection method: clinical testing. Allele origin: germline. Affected: yes. Observed: 2 variant alleles.

Labcorp Genetics (formerly Invitae), Labcorp
Classification: Likely pathogenic for Glycine encephalopathy. Last evaluated: 2019-10-16. Review status: criteria provided, single submitter. Criteria: Invitae Variant Classification Sherloc (09022015). Collection method: clinical testing. Allele origin: germline.
Comment: In summary, the currently available evidence indicates that the variant is pathogenic, but additional data are needed to prove that conclusively. Therefore, this variant has been classified as Likely Pathogenic. This variant disrupts the C-terminus of the AMT protein. Other variant(s) that disrupt this region (p.Val347Aspfs*2, p.Tyr369*) have been observed in individuals with AMT-related conditions (PMID: 26179960, 27362913). This suggests that this may be a clinically significant region of the protein. This sequence change results in a premature translational stop signal in the AMT gene (p.His333Thrfs*17). While this is not anticipated to result in nonsense mediated decay, it is expected to disrupt the last 71 amino acids of the AMT protein. This variant is not present in population databases (ExAC no frequency). This variant has been observed in an individual affected with glycine encephalopathy (PMID: 27362913).

Literature cited by the submitters: PubMed 27362913 (cited by Myriad Genetics, Inc. and Labcorp Genetics (formerly Invitae), Labcorp); PubMed 26179960 (cited by Labcorp Genetics (formerly Invitae), Labcorp).